The following is an entry in ClinVar:

ClinVar aggregate classification (germline): Uncertain significance (1 of 4 stars; one submission).

Submission:

GeneDx
Classification: Uncertain significance. Last evaluated: 2025-01-09. Review status: criteria provided, single submitter. Criteria: GeneDx Variant Classification Process June 2021. Collection method: clinical testing. Allele origin: germline. Affected: yes.
Comment: Not observed at significant frequency in large population cohorts (gnomAD); In silico analysis supports that this missense variant has a deleterious effect on protein structure/function; Has not been previously published as pathogenic or benign to our knowledge; This variant is associated with the following publications: (PMID: 25512093, 25609763, 26100331)

NM_001376.5(DYNC1H1):c.7817T>G (p.Phe2606Cys)

Gene: DYNC1H1 (dynein cytoplasmic 1 heavy chain 1; plus strand). Cytogenetic location: 14q32.31.
Variant type: single nucleotide variant.
Coding change: c.7817T>G on transcript NM_001376.5 (MANE Select); coding-DNA position 7817, T replaced by G.
Protein change: p.Phe2606Cys; replaces phenylalanine 2606 with cysteine.
Molecular consequence: missense variant.
Genome position (GRCh38, 1-based): chr14:102,016,968, T>G. VCF-style: chr14-102016968-T-G. GRCh37 (hg19) VCF-style: chr14-102483305-T-G.
Other names: short protein forms F2606C.
Identifiers: ClinVar variation 4056826 (VCV004056826.1).